The following is an entry in ClinVar:

NM_000383.4(AIRE):c.901G>C (p.Val301Leu)

Gene: AIRE (autoimmune regulator; plus strand). Cytogenetic location: 21q22.3.
Variant type: single nucleotide variant.
Coding change: c.901G>C on transcript NM_000383.4 (MANE Select); coding-DNA position 901, G replaced by C.
Protein change: p.Val301Leu; replaces valine 301 with leucine.
Molecular consequence: missense variant.
Genome position (GRCh38, 1-based): chr21:44,291,116, G>C. VCF-style: chr21-44291116-G-C. GRCh37 (hg19) VCF-style: chr21-45710999-G-C.
Other names: short protein forms V301L.
Identifiers: ClinVar variation 1895914 (VCV001895914.3), dbSNP rs150634562, ClinGen allele CA410424836.

ClinVar aggregate classification (germline): Uncertain significance. Review status: criteria provided, multiple submitters, no conflicts (2 of 4 stars). 2 submissions from 2 submitters: Uncertain significance (2). Last evaluated 2024-09-25.

Conditions:
Inborn genetic diseases. Identifiers: MedGen C0950123, MeSH D030342.
Polyglandular autoimmune syndrome, type 1 (APS1). Also called: AUTOIMMUNE POLYENDOCRINE SYNDROME, TYPE I, WITH OR WITHOUT REVERSIBLE METAPHYSEAL DYSPLASIA; PGA I; APS I; HYPOADRENOCORTICISM WITH HYPOPARATHYROIDISM AND SUPERFICIAL MONILIASIS; Autoimmune polyendocrine syndrome type 1; Autoimmune polyendocrinopathy syndrome, type I. Identifiers: Orphanet 3453, MedGen C0085859, MONDO:0009411, OMIM 240300.

gnomAD v4.1: 7 of 1,612,750 alleles (0.00043%); highest among the groups gnomAD compares: Non-Finnish European, 0.00059%; no homozygotes.

Submissions (2):

Ambry Genetics
Classification: Uncertain significance for Inborn genetic diseases. Last evaluated: 2024-09-25. Review status: criteria provided, single submitter. Criteria: Ambry Variant Classification Scheme 2023. Collection method: clinical testing. Allele origin: germline.

Labcorp Genetics (formerly Invitae), Labcorp
Classification: Uncertain significance for Polyglandular autoimmune syndrome, type 1. Last evaluated: 2022-09-21. Review status: criteria provided, single submitter. Criteria: Invitae Variant Classification Sherloc (09022015). Collection method: clinical testing. Allele origin: germline.
Comment: This sequence change replaces valine, which is neutral and non-polar, with leucine, which is neutral and non-polar, at codon 301 of the AIRE protein (p.Val301Leu). This variant is not present in population databases (gnomAD no frequency). This variant has not been reported in the literature in individuals affected with AIRE-related conditions. Advanced modeling of protein sequence and biophysical properties (such as structural, functional, and spatial information, amino acid conservation, physicochemical variation, residue mobility, and thermodynamic stability) has been performed at Invitae for this missense variant, however the output from this modeling did not meet the statistical confidence thresholds required to predict the impact of this variant on AIRE protein function. In summary, the available evidence is currently insufficient to determine the role of this variant in disease. Therefore, it has been classified as a Variant of Uncertain Significance.